The following is an entry in ClinVar:

ClinVar aggregate classification (germline): Uncertain significance. Review status: criteria provided, multiple submitters, no conflicts (2 of 4 stars). 2 submissions from 2 submitters: Uncertain significance (2). Last evaluated 2024-07-12.

Conditions:
Aicardi-Goutieres syndrome 6 (AGS6). Identifiers: Orphanet 51, MedGen C3539013, MONDO:0014007, OMIM 615010.
Symmetrical dyschromatosis of extremities (DSH). Also called: RETICULATE ACROPIGMENTATION OF DOHI; SYMMETRIC DYSCHROMATOSIS OF THE EXTREMITIES; Dyschromatosis symmetrica hereditaria; DYSCHROMATOSIS SYMMETRICA HEREDITARIA 1. Identifiers: Orphanet 41, MedGen C0406775, MONDO:0007483, OMIM 127400.

Allele frequency attached by ClinVar (database versions not stated): gnomAD exomes 0.00002; TOPMed 0.00003.
gnomAD v4.1: 11 of 1,612,600 alleles (0.00068%); highest among the groups gnomAD compares: Admixed American, 0.0083%; no homozygotes.

Submissions (2):

Labcorp Genetics (formerly Invitae), Labcorp
Classification: Uncertain significance for Aicardi-Goutieres syndrome 6; Symmetrical dyschromatosis of extremities. Last evaluated: 2024-07-12. Review status: criteria provided, single submitter. Criteria: Invitae Variant Classification Sherloc (09022015). Collection method: clinical testing. Allele origin: germline.
Comment: This sequence change replaces glutamic acid, which is acidic and polar, with lysine, which is basic and polar, at codon 361 of the ADAR protein (p.Glu361Lys). This variant is present in population databases (no rsID available, gnomAD 0.009%). This variant has not been reported in the literature in individuals affected with ADAR-related conditions. ClinVar contains an entry for this variant (Variation ID: 2043036). Advanced modeling of protein sequence and biophysical properties (such as structural, functional, and spatial information, amino acid conservation, physicochemical variation, residue mobility, and thermodynamic stability) performed at Invitae indicates that this missense variant is not expected to disrupt ADAR protein function with a negative predictive value of 80%. In summary, the available evidence is currently insufficient to determine the role of this variant in disease. Therefore, it has been classified as a Variant of Uncertain Significance.

Blueprint Genetics
Classification: Uncertain significance. Last evaluated: 2020-09-01. Review status: criteria provided, single submitter. Criteria: ACMG Guidelines, 2015. Collection method: clinical testing. Allele origin: germline.

NM_001111.5(ADAR):c.1081G>A (p.Glu361Lys)

Gene: ADAR (adenosine deaminase RNA specific; minus strand). Cytogenetic location: 1q21.3.
Variant type: single nucleotide variant.
Coding change: c.1081G>A on transcript NM_001111.5 (MANE Select); coding-DNA position 1081, G replaced by A.
Protein change: p.Glu361Lys; replaces glutamic acid 361 with lysine.
Molecular consequence: missense variant.
Genome position (GRCh38, 1-based): chr1:154,601,561, C>T on the plus strand (G>A on the coding strand, the complement: ADAR is on the minus strand). VCF-style: chr1-154601561-C-T. GRCh37 (hg19) VCF-style: chr1-154574037-C-T.
Other names: c.196G>A, p.Glu66Lys (NM_001025107.3, NM_001193495.2, NM_001365046.1 and 3 more transcripts); c.1108G>A, p.Glu370Lys (NM_001365045.1); c.1081G>A, p.Glu361Lys (NM_015840.4, NM_015841.4); short protein forms E361K, E370K, E66K.
Identifiers: ClinVar variation 2043036 (VCV002043036.5), dbSNP rs1452372946, ClinGen allele CA342598732.